The following is an entry in ClinVar:

ClinVar aggregate classification (germline): Uncertain significance (1 of 4 stars; one submission).

Conditions:
Hereditary cancer-predisposing syndrome. Also called: Neoplastic Syndromes, Hereditary; Tumor predisposition; Hereditary neoplastic syndrome; Hereditary Cancer Syndrome. Identifiers: Orphanet 140162, MedGen C0027672, MeSH D009386, MONDO:0015356.

Submission:

Ambry Genetics
Classification: Uncertain significance for Hereditary cancer-predisposing syndrome. Last evaluated: 2026-07-02. Review status: criteria provided, single submitter. Criteria: Ambry Variant Classification Scheme 2023. Collection method: clinical testing. Allele origin: germline.
Comment: The p.W2101R variant (also known as c.6301T>A), located in coding exon 15 of the APC gene, results from a T to A substitution at nucleotide position 6301. The tryptophan at codon 2101 is replaced by arginine, an amino acid with dissimilar properties. This amino acid position is conserved. In addition, in silico predictors for this gene do not accurately predict pathogenicity. Based on the available evidence, the clinical significance of this variant remains unclear.

NM_000038.6(APC):c.6301T>A (p.Trp2101Arg)

Gene: APC (APC regulator of Wnt signaling pathway; plus strand). Cytogenetic location: 5q22.2.
Variant type: single nucleotide variant.
Coding change: c.6301T>A on transcript NM_000038.6 (MANE Select); coding-DNA position 6301, T replaced by A.
Protein change: p.Trp2101Arg; replaces tryptophan 2101 with arginine.
Molecular consequence: missense variant. On other transcripts: non-coding transcript variant (2).
Genome position (GRCh38, 1-based): chr5:112,841,895, T>A. VCF-style: chr5-112841895-T-A. GRCh37 (hg19) VCF-style: chr5-112177592-T-A.
Other names: c.5914T>A, p.Trp1972Arg (NM_001407467.1, NM_001407469.1); c.5452T>A, p.Trp1818Arg (NM_001407470.1, NM_001354906.2); c.5149T>A, p.Trp1717Arg (NM_001407471.1, NM_001407472.1); c.6271T>A, p.Trp2091Arg (NM_001407452.1); c.6124T>A, p.Trp2042Arg (NM_001407453.1, NM_001354901.2); c.6052T>A, p.Trp2018Arg (NM_001407454.1, NM_001407455.1, NM_001407456.1 and 1 more transcripts); c.5998T>A, p.Trp2000Arg (NM_001407458.1, NM_001407459.1, NM_001407460.1 and 1 more transcripts); c.5923T>A, p.Trp1975Arg (NM_001354904.2); and 11 more; short protein forms W2000R, W2119R, W2018R, W2076R, W2091R, W2094R, W1717R, W1818R.
Identifiers: ClinVar variation 5024852 (VCV005024852.1).